The following is an entry in ClinVar:

ClinVar aggregate classification (germline): Uncertain significance (1 of 4 stars; one submission).

Conditions:
Dilated cardiomyopathy 1JJ (CMD1JJ). Identifiers: Orphanet 154, MedGen C3808935, MONDO:0014095, OMIM 615235.

Submission:

Labcorp Genetics (formerly Invitae), Labcorp
Classification: Uncertain significance for Dilated cardiomyopathy 1JJ. Last evaluated: 2025-11-20. Review status: criteria provided, single submitter. Criteria: Invitae Variant Classification Sherloc (09022015). Collection method: clinical testing. Allele origin: germline.
Comment: This sequence change creates a premature translational stop signal (p.Asn1420Ilefs*18) in the LAMA4 gene. It is expected to result in an absent or disrupted protein product. However, the current clinical and genetic evidence is not sufficient to establish whether loss-of-function variants in LAMA4 cause disease. This variant is present in population databases (rs782604289, gnomAD 0.002%). This premature translational stop signal has been observed in individual(s) with dilated cardiomyopathy (PMID: 32880476). In summary, the available evidence is currently insufficient to determine the role of this variant in disease. Therefore, it has been classified as a Variant of Uncertain Significance.

Literature cited by the submitters: PubMed 32880476.

NM_001105206.3(LAMA4):c.4280del (p.Asn1427fs)

Gene: LAMA4 (laminin subunit alpha 4; minus strand). Cytogenetic location: 6q21.
Variant type: Deletion.
Coding change: c.4280del on transcript NM_001105206.3 (MANE Select); coding-DNA position 4280, one base deleted (A; older notation c.4280delA).
Protein change: p.Asn1427fs; shifts the reading frame from asparagine 1427.
Molecular consequence: frameshift variant.
Genome position (GRCh38, 1-based): chr6:112,128,929, T deleted on the plus strand (A on the coding strand, the reverse complement: LAMA4 is on the minus strand); the first of 2 consecutive T bases (chr6:112,128,929-112,128,930); deleting either gives the same sequence. VCF-style (leftmost placement, unchanged base first): chr6-112128928-AT-A. GRCh37 (hg19) VCF-style: chr6-112450130-AT-A.
Other names: c.4259del, p.Asn1420fs (NM_001105207.3, NM_002290.5); short protein forms N1420fs, N1427fs.
Identifiers: ClinVar variation 4706758 (VCV004706758.1).
Genomic context (GRCh38, chr6:112,128,928, plus strand): 5'-TGTGTGCATGGAAAATGATGACAATTAGGAAGTCAGAACGGCATTATCTTTTACCTTTTT[AT>A]TCTGACTTGCTTTAGGCTTGGATAAATTTTTTCCTTTTTTATGGAGGAGAAACAATGGTG-3'